The following is an entry in ClinVar:

ClinVar aggregate classification (germline): Uncertain significance. Review status: criteria provided, multiple submitters, no conflicts (2 of 4 stars). 4 submissions from 4 submitters: Uncertain significance (4). Last evaluated 2024-04-02.

Conditions:
Hereditary cancer-predisposing syndrome. Also called: Tumor predisposition; Neoplastic Syndromes, Hereditary; Hereditary Cancer Syndrome; Hereditary neoplastic syndrome. Identifiers: Orphanet 140162, MedGen C0027672, MeSH D009386, MONDO:0015356.
Hereditary breast ovarian cancer syndrome. Also called: Hereditary breast and ovarian cancer; Breast and ovarian cancer; Hereditary breast and/or ovarian cancer syndrome; Hereditary breast and ovarian cancer syndrome (HBOC); BRCA1- and BRCA2-Associated Hereditary Breast and Ovarian Cancer; Hereditary breast and ovarian cancer syndrome. Identifiers: Orphanet 145, MedGen C0677776, MeSH D061325, MONDO:0003582. Disease mechanism: loss of function.
Breast-ovarian cancer, familial, susceptibility to, 2 (BROVCA2). Also called: BRCA2 Hereditary Breast and Ovarian Cancer. Identifiers: Orphanet 145, MedGen C2675520, MONDO:0012933, OMIM 612555. Disease mechanism: loss of function.

Submissions (4):

Labcorp Genetics (formerly Invitae), Labcorp
Classification: Uncertain significance for Hereditary breast ovarian cancer syndrome. Last evaluated: 2024-04-02. Review status: criteria provided, single submitter. Criteria: Invitae Variant Classification Sherloc (09022015). Collection method: clinical testing. Allele origin: germline.
Comment: This sequence change replaces lysine, which is basic and polar, with glutamic acid, which is acidic and polar, at codon 2413 of the BRCA2 protein (p.Lys2413Glu). This variant is not present in population databases (gnomAD no frequency). This variant has not been reported in the literature in individuals affected with BRCA2-related conditions. ClinVar contains an entry for this variant (Variation ID: 479338). Advanced modeling of protein sequence and biophysical properties (such as structural, functional, and spatial information, amino acid conservation, physicochemical variation, residue mobility, and thermodynamic stability) performed at Invitae indicates that this missense variant is not expected to disrupt BRCA2 protein function with a negative predictive value of 95%. In summary, the available evidence is currently insufficient to determine the role of this variant in disease. Therefore, it has been classified as a Variant of Uncertain Significance.

All of Us Research Program, National Institutes of Health
Classification: Uncertain significance for Breast-ovarian cancer, familial, susceptibility to, 2. Last evaluated: 2023-05-04. Review status: criteria provided, single submitter. Criteria: ACMG Guidelines, 2015. Collection method: clinical testing. Allele origin: germline. Inheritance: Autosomal dominant inheritance. Observed: 1 variant allele, 1 heterozygote.
Comment: This missense variant replaces lysine with glutamic acid at codon 2413 of the BRCA2 protein. Computational prediction is inconclusive regarding the impact of this variant on protein structure and function (internally defined REVEL score threshold 0.5 < inconclusive < 0.7, PMID: 27666373). To our knowledge, functional studies have not been reported for this variant. This variant has been reported in a multifactorial analysis with likelihood ratios of pathogenicity based on co-occurrence with a pathogenic variant and family history of 1.0498 and 0.7453, respectively (PMID: 31131967).. This variant has not been identified in the general population by the Genome Aggregation Database (gnomAD). The available evidence is insufficient to determine the role of this variant in disease conclusively. Therefore, this variant is classified as a Variant of Uncertain Significance.

This study involves interpretation of variants in research participants for the purpose of population health screening. Participant phenotype was not available at the time of variant classification. Additional details can be found in publication PMID: 35346344, PMCID: PMC8962531

Women's Health and Genetics/Laboratory Corporation of America, LabCorp
Classification: Uncertain significance. Last evaluated: 2022-05-16. Review status: criteria provided, single submitter. Criteria: LabCorp Variant Classification Summary - May 2015. Collection method: clinical testing. Allele origin: germline.
Comment: Variant summary: BRCA2 c.7237A>G (p.Lys2413Glu) results in a conservative amino acid change in the encoded protein sequence. Four of five in-silico tools predict a damaging effect of the variant on protein function. The variant was absent in 251286 control chromosomes. The available data on variant occurrences in the general population are insufficient to allow any conclusion about variant significance. To our knowledge, no occurrence of c.7237A>G in individuals affected with Hereditary Breast And Ovarian Cancer Syndrome and no experimental evidence demonstrating its impact on protein function have been reported. One clinical diagnostic laboratory has submitted clinical-significance assessments for this variant to ClinVar after 2014 and classified the variant as uncertain significance. Based on the evidence outlined above, the variant was classified as uncertain significance.

Ambry Genetics
Classification: Uncertain significance for Hereditary cancer-predisposing syndrome. Last evaluated: 2016-07-21. Review status: criteria provided, single submitter. Criteria: Ambry Variant Classification Scheme 2023. Collection method: clinical testing. Allele origin: germline.
Comment: The p.K2413E variant (also known as c.7237A>G), located in coding exon 13 of the BRCA2 gene, results from an A to G substitution at nucleotide position 7237. The lysine at codon 2413 is replaced by glutamic acid, an amino acid with similar properties. This variant was not reported in population based cohorts in the following databases: Database of Single Nucleotide Polymorphisms (dbSNP), NHLBI Exome Sequencing Project (ESP), and 1000 Genomes Project. In the ESP, this variant was not observed in 6503 samples (13006 alleles) with coverage at this position. To date, this alteration has been detected with an allele frequency of approximately 0.0003% (greater than 300000 alleles tested) in our clinical cohort. This amino acid position is highly conserved in available vertebrate species. In addition, the in silico prediction for this alteration is inconclusive. Since supporting evidence is limited at this time, the clinical significance of this alteration remains unclear.

Literature cited by the submitters: PubMed 31131967 (cited by All of Us Research Program, National Institutes of Health).

NM_000059.4(BRCA2):c.7237A>G (p.Lys2413Glu)

Gene: BRCA2 (BRCA2 DNA repair associated; plus strand). Cytogenetic location: 13q13.1.
Variant type: single nucleotide variant.
Coding change: c.7237A>G on transcript NM_000059.4 (MANE Select); coding-DNA position 7237, A replaced by G.
Protein change: p.Lys2413Glu; replaces lysine 2413 with glutamic acid.
Molecular consequence: missense variant.
Genome position (GRCh38, 1-based): chr13:32,355,090, A>G. VCF-style: chr13-32355090-A-G. GRCh37 (hg19) VCF-style: chr13-32929227-A-G.
Other names: short protein forms K2413E.
Identifiers: ClinVar variation 479338 (VCV000479338.10), dbSNP rs1555286056, ClinGen allele CA387740317.